The following is an entry in ClinVar:

ClinVar aggregate classification (germline): Pathogenic/Likely pathogenic. Review status: criteria provided, multiple submitters, no conflicts (2 of 4 stars). 4 submissions from 4 submitters: Pathogenic (3); Likely pathogenic (1). Last evaluated 2026-10-16.

Conditions:
COL2A1-related disorder. Also called: COL2A1-related condition; COL2A1-related disorders.
Stickler syndrome type 1 (STL1). Also called: ARTHROOPHTHALMOPATHY, HEREDITARY PROGRESSIVE; COL2A1-Related Stickler Syndrome; STICKLER SYNDROME, MEMBRANOUS VITREOUS TYPE; STICKLER SYNDROME, VITREOUS TYPE 1. Identifiers: Orphanet 828, Orphanet 90653, MedGen C2020284, MONDO:0007160, OMIM 108300.

Submissions (4):

GeneDx
Classification: Pathogenic. Last evaluated: 2026-10-16. Review status: criteria provided, single submitter. Criteria: GeneDx Variant Classification Process June 2021. Collection method: clinical testing. Allele origin: germline.
Comment: Frameshift variant predicted to result in protein truncation or nonsense mediated decay in a gene for which loss of function is a known mechanism of disease; Not observed at significant frequency in large population cohorts (gnomAD); Has not been previously published as pathogenic or benign to our knowledge

PreventionGenetics, part of Exact Sciences
Classification: Likely pathogenic for COL2A1-related condition. Last evaluated: 2026-06-09. Review status: criteria provided, single submitter. Criteria: ACMG Guidelines, 2015. Collection method: clinical testing. Allele origin: germline.
Comment: The COL2A1 c.2219delC variant is predicted to result in a frameshift and premature protein termination (p.Pro740Leufs*48). To our knowledge, this variant has not been reported in the literature or in a large population database (gnomAD), indicating this variant is rare. Frameshift variants in COL2A1 are expected to be pathogenic. This variant is interpreted as likely pathogenic.

Labcorp Genetics (formerly Invitae), Labcorp
Classification: Pathogenic. Last evaluated: 2025-04-01. Review status: criteria provided, single submitter. Criteria: Invitae Variant Classification Sherloc (09022015). Collection method: clinical testing. Allele origin: germline.
Comment: This sequence change creates a premature translational stop signal (p.Pro740Leufs*48) in the COL2A1 gene. It is expected to result in an absent or disrupted protein product. Loss-of-function variants in COL2A1 are known to be pathogenic (PMID: 20179744). This variant is not present in population databases (gnomAD no frequency). This variant has not been reported in the literature in individuals affected with COL2A1-related conditions. ClinVar contains an entry for this variant (Variation ID: 1454288). For these reasons, this variant has been classified as Pathogenic.

Institute of Medical Genetics and Applied Genomics, University Hospital Tübingen
Classification: Pathogenic for Stickler syndrome type 1. Last evaluated: 2022-05-20. Review status: criteria provided, single submitter. Criteria: ACMG Guidelines, 2015. Collection method: clinical testing. Allele origin: germline. Inheritance: Autosomal dominant inheritance. Affected: yes.

Literature cited by the submitters: PubMed 20179744 (cited by Labcorp Genetics (formerly Invitae), Labcorp).

NM_001844.5(COL2A1):c.2219del (p.Pro740fs)

Gene: COL2A1 (collagen type II alpha 1 chain; minus strand). Cytogenetic location: 12q13.11.
Variant type: Deletion.
Coding change: c.2219del on transcript NM_001844.5 (MANE Select); coding-DNA position 2219, one base deleted (C; older notation c.2219delC).
Protein change: p.Pro740fs; shifts the reading frame from proline 740.
Molecular consequence: frameshift variant.
Genome position (GRCh38, 1-based): chr12:47,982,584, G deleted on the plus strand (C on the coding strand, the reverse complement: COL2A1 is on the minus strand); the first of 6 consecutive G bases (chr12:47,982,584-47,982,589); deleting any one gives the same sequence. VCF-style (leftmost placement, unchanged base first): chr12-47982583-AG-A. GRCh37 (hg19) VCF-style: chr12-48376366-AG-A.
Other names: c.2012del, p.Pro671fs (NM_033150.3); c.2219delC (NM_001844.4); c.2219del (NM_001844.4); short protein forms P740fs, P671fs.
Identifiers: ClinVar variation 1454288 (VCV001454288.9), dbSNP rs1565677720, ClinGen allele CA2573148592.